The following is an entry in ClinVar:

NM_000444.6(PHEX):c.1919T>C (p.Leu640Pro)

Genes: PTCHD1-AS (PTCHD1 and PHEX antisense RNA; minus strand), PHEX (phosphate regulating endopeptidase X-linked; plus strand). Cytogenetic location: Xp22.11.
Variant type: single nucleotide variant.
Coding change: c.1919T>C on transcript NM_000444.6 (MANE Select); coding-DNA position 1919, T replaced by C.
Protein change: p.Leu640Pro; replaces leucine 640 with proline.
Molecular consequence: missense variant.
Genome position (GRCh38, 1-based): chrX:22,226,462, T>C. VCF-style: chrX-22226462-T-C. GRCh37 (hg19) VCF-style: chrX-22244579-T-C.
Other names: c.1919T>C, p.Leu640Pro (NM_001282754.2); short protein forms L640P.
Identifiers: ClinVar variation 941491 (VCV000941491.9), dbSNP rs1935506410, ClinGen allele CA412574165.
Genomic context (GRCh38, chrX:22,226,462, plus strand): 5'-CACGCATTCATTTTTTTTTTTTCCTTTTTTCTTTCTGTTAGGTCAAGGGGAAGAGGACCC[T>C]GGGAGAAAATATTGCTGATAATGGAGGCCTGCGGGAAGCTTTTAGGGTATGCGCTGCTAC-3'
Protein context (NP_000435.3, residues 630-650): AGLNVKGKRT[Leu640Pro]GENIADNGGL

ClinVar aggregate classification (germline): Pathogenic (1 of 4 stars; one submission).

Submission:

Labcorp Genetics (formerly Invitae), Labcorp
Classification: Pathogenic. Last evaluated: 2024-11-14. Review status: criteria provided, single submitter. Criteria: Invitae Variant Classification Sherloc (09022015). Collection method: clinical testing. Allele origin: germline.
Comment: This sequence change replaces leucine, which is neutral and non-polar, with proline, which is neutral and non-polar, at codon 640 of the PHEX protein (p.Leu640Pro). This variant is not present in population databases (gnomAD no frequency). This missense change has been observed in individual(s) with hypophosphatemic rickets (PMID: 19219621, 33666701; internal data). It has also been observed to segregate with disease in related individuals. ClinVar contains an entry for this variant (Variation ID: 941491). Invitae Evidence Modeling of protein sequence and biophysical properties (such as structural, functional, and spatial information, amino acid conservation, physicochemical variation, residue mobility, and thermodynamic stability) indicates that this missense variant is expected to disrupt PHEX protein function with a positive predictive value of 95%. For these reasons, this variant has been classified as Pathogenic.

Literature cited by the submitters: PubMed 19219621; PubMed 33666701.